The following is an entry in ClinVar:

NM_025243.4(SLC19A3):c.326T>C (p.Val109Ala)

Gene: SLC19A3 (solute carrier family 19 member 3; minus strand). Cytogenetic location: 2q36.3.
Variant type: single nucleotide variant.
Coding change: c.326T>C on transcript NM_025243.4 (MANE Select); coding-DNA position 326, T replaced by C.
Protein change: p.Val109Ala; replaces valine 109 with alanine.
Molecular consequence: missense variant.
Genome position (GRCh38, 1-based): chr2:227,699,389, A>G on the plus strand (T>C on the coding strand, the complement: SLC19A3 is on the minus strand). VCF-style: chr2-227699389-A-G. GRCh37 (hg19) VCF-style: chr2-228564105-A-G.
Other names: c.326T>C, p.Val109Ala (NM_001371411.1, NM_001371412.1); c.314T>C, p.Val105Ala (NM_001371413.1, NM_001371414.1); short protein forms V105A, V109A.
Identifiers: ClinVar variation 3336378 (VCV003336378.1).
Genomic context (GRCh38, chr2:227,699,389, plus strand): 5'-CTGTATATGTAGGCGTAGTAGGCCACCTCGGCGGCGGTGACCATCCCATAGAAGAACTCT[A>G]CAACCTGCATGGTCTTCACTCCTTGGCCAAACAACAGCAGCAGCCAGGTAATGATGAAAC-3'
Protein context (NP_079519.1, residues 99-119): FGQGVKTMQV[Val109Ala]EFFYGMVTAA

ClinVar aggregate classification (germline): Uncertain significance (1 of 4 stars; one submission).

gnomAD v4.1: 1 of 1,614,202 alleles (0.000062%); highest among the groups gnomAD compares: South Asian, 0.0011%; no homozygotes.

Submission:

Women's Health and Genetics/Laboratory Corporation of America, LabCorp
Classification: Uncertain significance. Last evaluated: 2024-05-24. Review status: criteria provided, single submitter. Criteria: LabCorp Variant Classification Summary - May 2015. Collection method: clinical testing. Allele origin: germline.
Comment: Variant summary: SLC19A3 c.326T>C (p.Val109Ala) results in a non-conservative amino acid change in the encoded protein sequence. Three of five in-silico tools predict a benign effect of the variant on protein function. The variant was absent in 251478 control chromosomes. The available data on variant occurrences in the general population are insufficient to allow any conclusion about variant significance. c.326T>C has been reported in the literature in at least one heterozygous individual affected with brain arteriovenous malformation (e.g. Wang_2022). This report does not provide unequivocal conclusions about association of the variant with Basal ganglia disease, biotin-thiamine-responsive. One publication reports experimental evidence evaluating an impact on protein function showing reduced pyridoxine and thiamine uptake in vitro (50-75% of WT), however, does not allow convincing conclusions about the variant effect (e.g. Miyake_2022). The following publications have been ascertained in the context of this evaluation (PMID: 35724964, 35228337). No submitters have cited clinical-significance assessments for this variant to ClinVar. Based on the evidence outlined above, the variant was classified as uncertain significance.

Literature cited by the submitters: PubMed 35228337; PubMed 35724964.